The following is an entry in ClinVar:

ClinVar aggregate classification (germline): Uncertain significance (1 of 4 stars; one submission).

Conditions:
EGFR-related lung cancer (EGFR). Identifiers: MedGen CN130014.

Submission:

Labcorp Genetics (formerly Invitae), Labcorp
Classification: Uncertain significance for EGFR-related lung cancer. Last evaluated: 2024-02-02. Review status: criteria provided, single submitter. Criteria: Invitae Variant Classification Sherloc (09022015). Collection method: clinical testing. Allele origin: germline.
Comment: This sequence change replaces aspartic acid, which is acidic and polar, with valine, which is neutral and non-polar, at codon 1012 of the EGFR protein (p.Asp1012Val). This variant is not present in population databases (gnomAD no frequency). This variant has not been reported in the literature in individuals affected with EGFR-related conditions. Advanced modeling of protein sequence and biophysical properties (such as structural, functional, and spatial information, amino acid conservation, physicochemical variation, residue mobility, and thermodynamic stability) performed at Invitae indicates that this missense variant is expected to disrupt EGFR protein function with a positive predictive value of 80%. In summary, the available evidence is currently insufficient to determine the role of this variant in disease. Therefore, it has been classified as a Variant of Uncertain Significance.

NM_005228.5(EGFR):c.3035A>T (p.Asp1012Val)

Gene: EGFR (epidermal growth factor receptor; plus strand). Cytogenetic location: 7p11.2.
Variant type: single nucleotide variant.
Coding change: c.3035A>T on transcript NM_005228.5 (MANE Select); coding-DNA position 3035, A replaced by T.
Protein change: p.Asp1012Val; replaces aspartic acid 1012 with valine.
Molecular consequence: missense variant.
Genome position (GRCh38, 1-based): chr7:55,201,276, A>T. VCF-style: chr7-55201276-A-T. GRCh37 (hg19) VCF-style: chr7-55268969-A-T.
Other names: c.2900A>T, p.Asp967Val (NM_001346897.2, NM_001346899.2); c.3035A>T, p.Asp1012Val (NM_001346898.2); c.2876A>T, p.Asp959Val (NM_001346900.2); c.2234A>T, p.Asp745Val (NM_001346941.2); short protein forms D1012V, D959V, D967V, D745V.
Identifiers: ClinVar variation 3632362 (VCV003632362.2).
Genomic context (GRCh38, chr7:55,201,276, plus strand): 5'-CTACAGACTCCAACTTCTACCGTGCCCTGATGGATGAAGAAGACATGGACGACGTGGTGG[A>T]TGCCGACGAGTACCTCATCCCACAGCAGGGCTTCTTCAGCAGCCCCTCCACGTCACGGAC-3'
Protein context (NP_005219.2, residues 1002-1022): MDEEDMDDVV[Asp1012Val]ADEYLIPQQG